The following is an entry in ClinVar:

ClinVar aggregate classification (germline): Uncertain significance (1 of 4 stars; one submission).

Allele frequency attached by ClinVar (database versions not stated): TOPMed 0.00001.
gnomAD v4.1: 11 of 1,613,894 alleles (0.00068%); highest among the groups gnomAD compares: East Asian, 0.0022%; 1 homozygote.

Submission:

Labcorp Genetics (formerly Invitae), Labcorp
Classification: Uncertain significance. Last evaluated: 2023-11-09. Review status: criteria provided, single submitter. Criteria: Invitae Variant Classification Sherloc (09022015). Collection method: clinical testing. Allele origin: germline.
Comment: This sequence change replaces alanine, which is neutral and non-polar, with valine, which is neutral and non-polar, at codon 892 of the MBTPS1 protein (p.Ala892Val). This variant is present in population databases (rs770208882, gnomAD 0.007%). This variant has not been reported in the literature in individuals affected with MBTPS1-related conditions. Algorithms developed to predict the effect of missense changes on protein structure and function output the following: SIFT: "Not Available"; PolyPhen-2: "Benign"; Align-GVGD: "Not Available". The valine amino acid residue is found in multiple mammalian species, which suggests that this missense change does not adversely affect protein function. In summary, the available evidence is currently insufficient to determine the role of this variant in disease. Therefore, it has been classified as a Variant of Uncertain Significance.

NM_003791.4(MBTPS1):c.2675C>T (p.Ala892Val)

Gene: MBTPS1 (membrane bound transcription factor peptidase, site 1; minus strand). Cytogenetic location: 16q23.3.
Variant type: single nucleotide variant.
Coding change: c.2675C>T on transcript NM_003791.4 (MANE Select); coding-DNA position 2675, C replaced by T.
Protein change: p.Ala892Val; replaces alanine 892 with valine.
Molecular consequence: missense variant.
Genome position (GRCh38, 1-based): chr16:84,060,711, G>A on the plus strand (C>T on the coding strand, the complement: MBTPS1 is on the minus strand). VCF-style: chr16-84060711-G-A. GRCh37 (hg19) VCF-style: chr16-84094316-G-A.
Other names: short protein forms A892V.
Identifiers: ClinVar variation 2877271 (VCV002877271.1), dbSNP rs770208882, ClinGen allele CA8200806.